The following is an entry in ClinVar:

NM_004970.3(IGFALS):c.1678C>T (p.Arg560Cys)

Gene: IGFALS (insulin like growth factor binding protein acid labile subunit; minus strand). Cytogenetic location: 16p13.3.
Variant type: single nucleotide variant.
Coding change: c.1678C>T on transcript NM_004970.3 (MANE Select); coding-DNA position 1678, C replaced by T.
Protein change: p.Arg560Cys; replaces arginine 560 with cysteine.
Molecular consequence: missense variant. On other transcripts: non-coding transcript variant (1).
Genome position (GRCh38, 1-based): chr16:1,790,740, G>A on the plus strand (C>T on the coding strand, the complement: IGFALS is on the minus strand). VCF-style: chr16-1790740-G-A. GRCh37 (hg19) VCF-style: chr16-1840741-G-A.
Other names: c.1792C>T, p.Arg598Cys (NM_001146006.2); c.1678C>T (NM_004970.2); short protein forms R560C, R598C.
Identifiers: ClinVar variation 2691539 (VCV002691539.2), dbSNP rs200313587, ClinGen allele CA7820240.
Genomic context (GRCh38, chr16:1,790,740, plus strand): 5'-TGTTGTAGGTGTACGCGGGCGGCTGGCAATCGTCCCCCTCACAGATGGCCTGGACGAAGC[G>A]GGGCACAGCACTGGGGTTCTGCAGGGCGAAGTCCCGCAGCGCCTTGAGAGGGCAGCCACA-3'
Protein context (NP_004961.1, residues 550-570): FALQNPSAVP[Arg560Cys]FVQAICEGDD

ClinVar aggregate classification (germline): Uncertain significance. Review status: criteria provided, multiple submitters, no conflicts (2 of 4 stars). 2 submissions from 2 submitters: Uncertain significance (2). Last evaluated 2025-05-14.

Conditions:
Inborn genetic diseases. Identifiers: MedGen C0950123, MeSH D030342.

Allele frequency attached by ClinVar (database versions not stated): gnomAD 0.00004; ExAC 0.00005; gnomAD exomes 0.00006; TOPMed 0.00007.

Submissions (2):

Ambry Genetics
Classification: Uncertain significance for Inborn genetic diseases. Last evaluated: 2025-05-14. Review status: criteria provided, single submitter. Criteria: Ambry Variant Classification Scheme 2023. Collection method: clinical testing. Allele origin: germline.

Women's Health and Genetics/Laboratory Corporation of America, LabCorp
Classification: Uncertain significance. Last evaluated: 2023-12-01. Review status: criteria provided, single submitter. Criteria: LabCorp Variant Classification Summary - May 2015. Collection method: clinical testing. Allele origin: germline.
Comment: Variant summary: IGFALS c.1678C>T (p.Arg560Cys) results in a non-conservative amino acid change located in the Cysteine-rich flanking region, C-terminal (IPR000483) of the encoded protein sequence. Four of five in-silico tools predict a damaging effect of the variant on protein function. The variant allele was found at a frequency of 3.9e-05 in 229316 control chromosomes. The available data on variant occurrences in the general population are insufficient to allow any conclusion about variant significance. To our knowledge, no occurrence of c.1678C>T in individuals affected with Short Stature Due To Primary Acid-Labile Subunit Deficiency and no experimental evidence demonstrating its impact on protein function have been reported. No submitters have cited clinical-significance assessments for this variant to ClinVar after 2014. Based on the evidence outlined above, the variant was classified as uncertain significance.